The following is an entry in ClinVar:

ClinVar aggregate classification (germline): Conflicting classifications of pathogenicity. Review status: criteria provided, conflicting classifications (1 of 4 stars). 2 submissions from 2 submitters: Likely pathogenic (1); Uncertain significance (1). Last evaluated 2025-09-05.

Allele frequency attached by ClinVar (database versions not stated): gnomAD exomes below 0.00001; gnomAD 0.00001; TOPMed 0.00001.
gnomAD v4.1: 4 of 1,612,922 alleles (0.00025%); highest among the groups gnomAD compares: Non-Finnish European, 0.00034%; no homozygotes.

Submissions (2):

Labcorp Genetics (formerly Invitae), Labcorp
Classification: Likely pathogenic. Last evaluated: 2025-09-05. Review status: criteria provided, single submitter. Criteria: Invitae Variant Classification Sherloc (09022015). Collection method: clinical testing. Allele origin: germline.
Comment: This sequence change affects an acceptor splice site in intron 16 of the CIC gene. It is expected to disrupt RNA splicing. Variants that disrupt the donor or acceptor splice site typically lead to a loss of protein function (PMID: 16199547), and loss-of-function variants in CIC are known to be pathogenic (PMID: 28288114, 32820034). This variant is not present in population databases (gnomAD no frequency). This variant has not been reported in the literature in individuals affected with CIC-related conditions. ClinVar contains an entry for this variant (Variation ID: 1704675). Algorithms developed to predict the effect of sequence changes on RNA splicing suggest that this variant may disrupt the consensus splice site. In summary, the currently available evidence indicates that the variant is pathogenic, but additional data are needed to prove that conclusively. Therefore, this variant has been classified as Likely Pathogenic.

GeneDx
Classification: Uncertain significance. Last evaluated: 2022-03-08. Review status: criteria provided, single submitter. Criteria: GeneDx Variant Classification Process June 2021. Collection method: clinical testing. Allele origin: germline. Affected: yes.
Comment: Not observed at significant frequency in large population cohorts (gnomAD); Canonical splice site variant with an unclear effect on protein function; Has not been previously published as pathogenic or benign to our knowledge

Literature cited by the submitters: PubMed 16199547 (cited by Labcorp Genetics (formerly Invitae), Labcorp); PubMed 28288114 (cited by Labcorp Genetics (formerly Invitae), Labcorp); PubMed 32820034 (cited by Labcorp Genetics (formerly Invitae), Labcorp).

NM_001386298.1(CIC):c.6768-2A>T

Gene: CIC (capicua transcriptional repressor; plus strand). Cytogenetic location: 19q13.2.
Variant type: single nucleotide variant.
Coding change: c.6768-2A>T on transcript NM_001386298.1 (MANE Select); the canonical splice acceptor site of the intron before coding-DNA position 6768, A replaced by T.
Molecular consequence: splice acceptor variant. On other transcripts: intron variant (2).
Genome position (GRCh38, 1-based): chr19:42,293,933, A>T. VCF-style: chr19-42293933-A-T. GRCh37 (hg19) VCF-style: chr19-42798085-A-T.
Other names: c.6768-2A>T (NM_001304815.2); c.6768-5A>T (NM_001379482.1); c.6765-2A>T (NM_001379480.1); c.4041-2A>T (NM_015125.5, NM_001379484.1); c.4041-5A>T (NM_001379485.1).
Identifiers: ClinVar variation 1704675 (VCV001704675.3), dbSNP rs1174760610, ClinGen allele CA406120603.
Genomic context (GRCh38, chr19:42,293,933, plus strand): 5'-GGTGGCGGGAGTGGGAGCAGCTGCAGGCTGAGGCGGGGGAGGTGACCCTGCCGGCCCTCC[A>T]GCAGGGTCCTGTCAGAAGTGGACTTCGAAGAGCGCTTTGCTGAGTTGCCTGAGTTTCGGC-3'